The following is an entry in ClinVar:

ClinVar aggregate classification (germline): Uncertain significance. Review status: criteria provided, multiple submitters, no conflicts (2 of 4 stars). 2 submissions from 2 submitters: Uncertain significance (2). Last evaluated 2024-09-22.

Conditions:
Hereditary cancer-predisposing syndrome. Also called: Hereditary Cancer Syndrome; Neoplastic Syndromes, Hereditary; Tumor predisposition; Hereditary neoplastic syndrome. Identifiers: Orphanet 140162, MedGen C0027672, MeSH D009386, MONDO:0015356.
Familial cancer of breast. Also called: Hereditary breast cancer; hereditary breast carcinoma; BREAST CANCER, FAMILIAL. Identifiers: Orphanet 227535, MedGen C0346153, MONDO:0016419, OMIM 114480. Disease mechanism: loss of function.

Submissions (2):

Ambry Genetics
Classification: Uncertain significance for Hereditary cancer-predisposing syndrome. Last evaluated: 2024-09-22. Review status: criteria provided, single submitter. Criteria: Ambry Variant Classification Scheme 2023. Collection method: clinical testing. Allele origin: germline.
Comment: The p.A935T variant (also known as c.2803G>A), located in coding exon 8 of the PALB2 gene, results from a G to A substitution at nucleotide position 2803. The alanine at codon 935 is replaced by threonine, an amino acid with similar properties. This amino acid position is conserved. In addition, this alteration is predicted to be tolerated by in silico analysis. Based on the available evidence, the clinical significance of this variant remains unclear.

Labcorp Genetics (formerly Invitae), Labcorp
Classification: Uncertain significance for Familial cancer of breast. Last evaluated: 2022-09-06. Review status: criteria provided, single submitter. Criteria: Invitae Variant Classification Sherloc (09022015). Collection method: clinical testing. Allele origin: germline.
Comment: This variant has not been reported in the literature in individuals affected with PALB2-related conditions. In summary, the available evidence is currently insufficient to determine the role of this variant in disease. Therefore, it has been classified as a Variant of Uncertain Significance. Algorithms developed to predict the effect of missense changes on protein structure and function are either unavailable or do not agree on the potential impact of this missense change (SIFT: "Tolerated"; PolyPhen-2: "Probably Damaging"; Align-GVGD: "Class C0"). This variant is not present in population databases (gnomAD no frequency). This sequence change replaces alanine, which is neutral and non-polar, with threonine, which is neutral and polar, at codon 935 of the PALB2 protein (p.Ala935Thr).

NM_024675.4(PALB2):c.2803G>A (p.Ala935Thr)

Gene: PALB2 (partner and localizer of BRCA2; minus strand). Cytogenetic location: 16p12.2.
Variant type: single nucleotide variant.
Coding change: c.2803G>A on transcript NM_024675.4 (MANE Select); coding-DNA position 2803, G replaced by A.
Protein change: p.Ala935Thr; replaces alanine 935 with threonine.
Molecular consequence: missense variant.
Genome position (GRCh38, 1-based): chr16:23,624,040, C>T on the plus strand (G>A on the coding strand, the complement: PALB2 is on the minus strand). VCF-style: chr16-23624040-C-T. GRCh37 (hg19) VCF-style: chr16-23635361-C-T.
Other names: c.2743G>A, p.Ala915Thr (NM_001407296.1); c.2731G>A, p.Ala911Thr (NM_001407297.1); c.2641G>A, p.Ala881Thr (NM_001407298.1, NM_001407302.1); c.2803G>A, p.Ala935Thr (NM_001407299.1, NM_001407300.1, NM_001407301.1); c.1918G>A, p.Ala640Thr (NM_001407304.1, NM_001407305.1, NM_001407306.1 and 4 more transcripts); c.1756G>A, p.Ala586Thr (NM_001407307.1); c.1015G>A, p.Ala339Thr (NM_001407312.1, NM_001407313.1); c.337G>A, p.Ala113Thr (NM_001407314.1); short protein forms A586T, A113T, A915T, A935T, A339T, A881T, A911T, A640T.
Identifiers: ClinVar variation 2179889 (VCV002179889.5), dbSNP rs2142343363, ClinGen allele CA395144964.
Genomic context (GRCh38, chr16:23,624,040, plus strand): 5'-AAACAAATCACTCCTTGGGAATTACATACCTGATCTCTCTGATTTCCAAATTTCCCAAAG[C>T]TACACACACGAGATTATACACATCAGGCACTGGAACTATCTGTAATACTGGAACCTAAAT-3'
Protein context (NP_078951.2, residues 925-945): VPDVYNLVCV[Ala935Thr]LGNLEIREIR